The following is an entry in ClinVar:

ClinVar aggregate classification (germline): Uncertain significance (1 of 4 stars; one submission).

Submission:

GeneDx
Classification: Uncertain significance. Last evaluated: 2023-07-31. Review status: criteria provided, single submitter. Criteria: GeneDx Variant Classification Process June 2021. Collection method: clinical testing. Allele origin: germline. Affected: yes.
Comment: Not observed at significant frequency in large population cohorts (gnomAD); In silico analysis supports that this missense variant has a deleterious effect on protein structure/function; Has not been previously published as pathogenic or benign to our knowledge

NM_016032.4(ZDHHC9):c.575C>T (p.Ser192Phe)

Gene: ZDHHC9 (zDHHC palmitoyltransferase 9; minus strand). Cytogenetic location: Xq26.1.
Variant type: single nucleotide variant.
Coding change: c.575C>T on transcript NM_016032.4 (MANE Select); coding-DNA position 575, C replaced by T.
Protein change: p.Ser192Phe; replaces serine 192 with phenylalanine.
Molecular consequence: missense variant.
Genome position (GRCh38, 1-based): chrX:129,814,708, G>A on the plus strand (C>T on the coding strand, the complement: ZDHHC9 is on the minus strand). VCF-style: chrX-129814708-G-A. GRCh37 (hg19) VCF-style: chrX-128948684-G-A.
Other names: c.575C>T, p.Ser192Phe (NM_001008222.3); short protein forms S192F.
Identifiers: ClinVar variation 3361732 (VCV003361732.1).
Genomic context (GRCh38, chrX:129,814,708, plus strand): 5'-GTATACTCACTGAGGGCCACATAGACGATGTTGAAGGCGAAGACATAGATTGTGAGGAGG[G>A]AGAGAGAAAGGATGAAGAGGTAGAAGTAGCGGTAGTTCCTCTTTCCAACACAATTCCCCA-3'
Protein context (NP_057116.2, residues 182-202): RYFYLFILSL[Ser192Phe]LLTIYVFAFN